The following is an entry in ClinVar:

ClinVar aggregate classification (germline): Conflicting classifications of pathogenicity. Review status: criteria provided, conflicting classifications (1 of 4 stars). 2 submissions from 2 submitters: Uncertain significance (1); Likely benign (1). Last evaluated 2025-02-22.

Conditions:
Inborn genetic diseases. Identifiers: MedGen C0950123, MeSH D030342.
Baller-Gerold syndrome (BGS). Also called: CRANIOSYNOSTOSIS WITH RADIAL DEFECTS. Identifiers: Orphanet 1225, MedGen C0265308, MONDO:0009039, OMIM 218600.

Submissions (2):

Ambry Genetics
Classification: Likely benign for Inborn genetic diseases. Last evaluated: 2025-02-22. Review status: criteria provided, single submitter. Criteria: Ambry Variant Classification Scheme 2023. Collection method: clinical testing. Allele origin: germline.

Labcorp Genetics (formerly Invitae), Labcorp
Classification: Uncertain significance for Baller-Gerold syndrome. Last evaluated: 2020-07-24. Review status: criteria provided, single submitter. Criteria: Invitae Variant Classification Sherloc (09022015). Collection method: clinical testing. Allele origin: germline.
Comment: This sequence change replaces valine with isoleucine at codon 1139 of the RECQL4 protein (p.Val1139Ile). The valine residue is weakly conserved and there is a small physicochemical difference between valine and isoleucine. This variant is not present in population databases (ExAC no frequency). This variant has not been reported in the literature in individuals with RECQL4-related conditions. Experimental studies and prediction algorithms are not available or were not evaluated, and the functional significance of this variant is currently unknown. In summary, the available evidence is currently insufficient to determine the role of this variant in disease. Therefore, it has been classified as a Variant of Uncertain Significance.

NM_004260.4(RECQL4):c.3415G>A (p.Val1139Ile)

Gene: RECQL4 (RecQ like helicase 4; minus strand). Cytogenetic location: 8q24.3.
Variant type: single nucleotide variant.
Coding change: c.3415G>A on transcript NM_004260.4 (MANE Select); coding-DNA position 3415, G replaced by A.
Protein change: p.Val1139Ile; replaces valine 1139 with isoleucine.
Molecular consequence: missense variant.
Genome position (GRCh38, 1-based): chr8:144,511,768, C>T on the plus strand (G>A on the coding strand, the complement: RECQL4 is on the minus strand). VCF-style: chr8-144511768-C-T. GRCh37 (hg19) VCF-style: chr8-145737151-C-T.
Other names: c.3415G>A (NM_004260.3); short protein forms V1139I.
Identifiers: ClinVar variation 1034464 (VCV001034464.4), dbSNP rs1431803679, ClinGen allele CA372667421.